The following is an entry in ClinVar:

ClinVar aggregate classification (germline): Likely pathogenic (1 of 4 stars; one submission).

Conditions:
Acyl-CoA dehydrogenase 9 deficiency. Also called: Acyl-CoA dehydrogenase family, member 9, deficiency of; MITOCHONDRIAL COMPLEX I DEFICIENCY, NUCLEAR TYPE 20. Identifiers: Orphanet 99901, MedGen C4747517, MONDO:0012624, OMIM 611126.

Submission:

Natera, Inc.
Classification: Likely pathogenic for ACAD9 deficiency. Last evaluated: 2024-04-22. Review status: criteria provided, single submitter. Criteria: Natera Variant Classification Schema (03/2026). Collection method: clinical testing. Allele origin: germline.
Comment: The c.150+1G>T variant in ACAD9 is a canonical splice donor site variant predicted to affect pre-mRNA splicing, which may result in an abnormal transcript and altered protein product. This variant is expected to result in nonsense mediated decay, truncation, or a dysfunctional protein product. This variant is rare in the general population with a frequency below the threshold expected for the associated phenotype(s). Given the available evidence, this variant is classified as Likely Pathogenic.

NM_014049.5(ACAD9):c.150+1G>T

Gene: ACAD9 (acyl-CoA dehydrogenase family member 9; plus strand). Cytogenetic location: 3q21.3.
Variant type: single nucleotide variant.
Coding change: c.150+1G>T on transcript NM_014049.5 (MANE Select); the canonical splice donor site of the intron after coding-DNA position 150, G replaced by T.
Molecular consequence: splice donor variant. On other transcripts: non-coding transcript variant (1).
Genome position (GRCh38, 1-based): chr3:128,879,842, G>T. VCF-style: chr3-128879842-G-T. GRCh37 (hg19) VCF-style: chr3-128598685-G-T.
Other names: c.-126+1G>T (NM_001410805.1); c.150+1G>T (NM_014049.4).
Identifiers: ClinVar variation 2679736 (VCV002679736.3), dbSNP rs1935034328, ClinGen allele CA354429769.
Genomic context (GRCh38, chr3:128,879,842, plus strand): 5'-CGCACCAGCCCGCCTGTACGAGCTTTCGCCAAAGAGCTTTTCCTAGGCAAAATCAAGAAG[G>T]TAACGCGAGCCCTGGGCGAACCCTTGCTGTCTGGCTCCCGCTTTTCACCCTCAGCTGCAA-3'